The following is an entry in ClinVar:

NM_031433.4(MFRP):c.79G>C (p.Glu27Gln)

Genes: C1QTNF5 (C1q and TNF related 5; minus strand), MFRP (membrane frizzled-related protein; minus strand). Cytogenetic location: 11q23.3.
Variant type: single nucleotide variant.
Coding change: c.79G>C on transcript NM_031433.4 (MANE Select); coding-DNA position 79, G replaced by C.
Protein change: p.Glu27Gln; replaces glutamic acid 27 with glutamine.
Molecular consequence: missense variant. On other transcripts: 5 prime UTR variant (1).
Genome position (GRCh38, 1-based): chr11:119,346,350, C>G on the plus strand (G>C on the coding strand, the complement: MFRP is on the minus strand). VCF-style: chr11-119346350-C-G. GRCh37 (hg19) VCF-style: chr11-119217060-C-G.
Other names: c.-2558G>C (NM_015645.5); short protein forms E27Q.
Identifiers: ClinVar variation 1922684 (VCV001922684.3), dbSNP rs374815208, ClinGen allele CA6320712.
Genomic context (GRCh38, chr11:119,346,350, plus strand): 5'-CGCTGTAGCTGGCATCCTCTGGGAAAACTGGGGGAGGGCAGGGTGGCCCAGACTCAGGCT[C>G]GAAGGCAGGATTGCAGAACTCGGTCTGGAAGGGGGAGATACTTGAGGGCTGAGGGCAGCA-3'
Protein context (NP_113621.1, residues 17-37): SKTEFCNPAF[Glu27Gln]PESGPPCPPP

ClinVar aggregate classification (germline): Uncertain significance (1 of 4 stars; one submission).

Conditions:
Isolated microphthalmia 5. Also called: Posterior Microphthalmia with Retinitis Pigmentosa, Foveoschisis, and Optic Disc Drusen. Identifiers: Orphanet 251279, MedGen C1970236, MONDO:0012605, OMIM 611040.

Submission:

Labcorp Genetics (formerly Invitae), Labcorp
Classification: Uncertain significance for Isolated microphthalmia 5. Last evaluated: 2022-07-02. Review status: criteria provided, single submitter. Criteria: Invitae Variant Classification Sherloc (09022015). Collection method: clinical testing. Allele origin: germline.
Comment: In summary, the available evidence is currently insufficient to determine the role of this variant in disease. Therefore, it has been classified as a Variant of Uncertain Significance. Algorithms developed to predict the effect of missense changes on protein structure and function are either unavailable or do not agree on the potential impact of this missense change (SIFT: "Deleterious"; PolyPhen-2: "Probably Damaging"; Align-GVGD: "Class C0"). This variant has not been reported in the literature in individuals affected with MFRP-related conditions. This variant is present in population databases (rs374815208, gnomAD 0.007%). This sequence change replaces glutamic acid, which is acidic and polar, with glutamine, which is neutral and polar, at codon 27 of the MFRP protein (p.Glu27Gln).